The following is an entry in ClinVar:

ClinVar aggregate classification (germline): Uncertain significance (1 of 4 stars; one submission).

Submission:

Labcorp Genetics (formerly Invitae), Labcorp
Classification: Uncertain significance. Last evaluated: 2024-08-28. Review status: criteria provided, single submitter. Criteria: Invitae Variant Classification Sherloc (09022015). Collection method: clinical testing. Allele origin: germline.
Comment: This sequence change replaces glutamine, which is neutral and polar, with lysine, which is basic and polar, at codon 2418 of the ANK3 protein (p.Gln2418Lys). This variant is not present in population databases (gnomAD no frequency). This variant has not been reported in the literature in individuals affected with ANK3-related conditions. Invitae Evidence Modeling of protein sequence and biophysical properties (such as structural, functional, and spatial information, amino acid conservation, physicochemical variation, residue mobility, and thermodynamic stability) indicates that this missense variant is not expected to disrupt ANK3 protein function with a negative predictive value of 80%. In summary, the available evidence is currently insufficient to determine the role of this variant in disease. Therefore, it has been classified as a Variant of Uncertain Significance.

NM_020987.5(ANK3):c.7252C>A (p.Gln2418Lys)

Gene: ANK3 (ankyrin 3; minus strand). Cytogenetic location: 10q21.2.
Variant type: single nucleotide variant.
Coding change: c.7252C>A on transcript NM_020987.5 (MANE Select); coding-DNA position 7252, C replaced by A.
Protein change: p.Gln2418Lys; replaces glutamine 2418 with lysine.
Molecular consequence: missense variant. On other transcripts: intron variant (4).
Genome position (GRCh38, 1-based): chr10:60,073,629, G>T on the plus strand (C>A on the coding strand, the complement: ANK3 is on the minus strand). VCF-style: chr10-60073629-G-T. GRCh37 (hg19) VCF-style: chr10-61833387-G-T.
Other names: c.4388-5620C>A (NM_001204403.2); c.4409-5620C>A (NM_001204404.2); c.4406-5620C>A (NM_001320874.2); c.1808-5620C>A (NM_001149.4); short protein forms Q2418K.
Identifiers: ClinVar variation 3662919 (VCV003662919.2).